The following is an entry in ClinVar:

ClinVar aggregate classification (germline): Uncertain significance. Review status: criteria provided, multiple submitters, no conflicts (2 of 4 stars). 3 submissions from 3 submitters: Uncertain significance (3). Last evaluated 2024-07-10.

Conditions:
Hereditary cancer-predisposing syndrome. Also called: Hereditary Cancer Syndrome; Tumor predisposition; Neoplastic Syndromes, Hereditary; Hereditary neoplastic syndrome. Identifiers: Orphanet 140162, MedGen C0027672, MeSH D009386, MONDO:0015356.
Bloom syndrome (BLM). Also called: Bloom-Torre-Machacek syndrome. Identifiers: Orphanet 125, MedGen C0005859, MONDO:0008876, OMIM 210900.

Submissions (3):

Labcorp Genetics (formerly Invitae), Labcorp
Classification: Uncertain significance for Bloom syndrome. Last evaluated: 2024-07-10. Review status: criteria provided, single submitter. Criteria: Invitae Variant Classification Sherloc (09022015). Collection method: clinical testing. Allele origin: germline.
Comment: This sequence change replaces histidine, which is basic and polar, with tyrosine, which is neutral and polar, at codon 988 of the BLM protein (p.His988Tyr). This variant is not present in population databases (gnomAD no frequency). This variant has not been reported in the literature in individuals affected with BLM-related conditions. ClinVar contains an entry for this variant (Variation ID: 1011759). Advanced modeling of protein sequence and biophysical properties (such as structural, functional, and spatial information, amino acid conservation, physicochemical variation, residue mobility, and thermodynamic stability) performed at Invitae indicates that this missense variant is not expected to disrupt BLM protein function with a negative predictive value of 80%. In summary, the available evidence is currently insufficient to determine the role of this variant in disease. Therefore, it has been classified as a Variant of Uncertain Significance.

Ambry Genetics
Classification: Uncertain significance for Hereditary cancer-predisposing syndrome. Last evaluated: 2024-04-24. Review status: criteria provided, single submitter. Criteria: Ambry Variant Classification Scheme 2023. Collection method: clinical testing. Allele origin: germline.
Comment: The p.H988Y variant (also known as c.2962C>T), located in coding exon 14 of the BLM gene, results from a C to T substitution at nucleotide position 2962. The histidine at codon 988 is replaced by tyrosine, an amino acid with similar properties. This amino acid position is conserved. In addition, this alteration is predicted to be tolerated by in silico analysis. Based on the available evidence, the clinical significance of this variant remains unclear.

Mendelics
Classification: Uncertain significance. Last evaluated: 2022-05-04. Review status: criteria provided, single submitter. Criteria: Mendelics Assertion Criteria 2019. Collection method: clinical testing. Allele origin: germline.

NM_000057.4(BLM):c.2962C>T (p.His988Tyr)

Gene: BLM (BLM RecQ like helicase; plus strand). Cytogenetic location: 15q26.1.
Variant type: single nucleotide variant.
Coding change: c.2962C>T on transcript NM_000057.4 (MANE Select); coding-DNA position 2962, C replaced by T.
Protein change: p.His988Tyr; replaces histidine 988 with tyrosine.
Molecular consequence: missense variant.
Genome position (GRCh38, 1-based): chr15:90,790,787, C>T. VCF-style: chr15-90790787-C-T. GRCh37 (hg19) VCF-style: chr15-91334017-C-T.
Other names: c.2962C>T (NM_000057.2); c.2962C>T, p.His988Tyr (NM_001287246.2, NM_001287247.2); c.1837C>T, p.His613Tyr (NM_001287248.2); short protein forms H613Y, H988Y.
Identifiers: ClinVar variation 1011759 (VCV001011759.10), dbSNP rs1896886993, ClinGen allele CA393846505.